The following is an entry in ClinVar:

NM_004385.5(VCAN):c.6906C>G (p.Asn2302Lys)

Genes: VCAN-AS1 (VCAN antisense RNA 1; minus strand), VCAN (versican; plus strand). Cytogenetic location: 5q14.3.
Variant type: single nucleotide variant.
Coding change: c.6906C>G on transcript NM_004385.5 (MANE Select); coding-DNA position 6906, C replaced by G.
Protein change: p.Asn2302Lys; replaces asparagine 2302 with lysine.
Molecular consequence: missense variant. On other transcripts: intron variant (2).
Genome position (GRCh38, 1-based): chr5:83,539,909, C>G. VCF-style: chr5-83539909-C-G. GRCh37 (hg19) VCF-style: chr5-82835728-C-G.
Other names: c.3945C>G, p.Asn1315Lys (NM_001164097.2); c.4004-5628C>G (NM_001164098.2); c.1043-5628C>G (NM_001126336.3); short protein forms N1315K, N2302K.
Identifiers: ClinVar variation 1003837 (VCV001003837.8), dbSNP rs759774221, ClinGen allele CA3333545.
Genomic context (GRCh38, chr5:83,539,909, plus strand): 5'-ATTATATCCCCACACTTCTCAAGTGGAAAGTACCTCAAGTGACAAAATTGAAGACTTTAA[C>G]AGAATGGAAAATGTGGCAAAAGAAGTTGGACCACTCGTATCTCAAACAGACATCTTTGAA-3'
Protein context (NP_004376.2, residues 2292-2312): STSSDKIEDF[Asn2302Lys]RMENVAKEVG

ClinVar aggregate classification (germline): Uncertain significance (1 of 4 stars; one submission).

Allele frequency attached by ClinVar (database versions not stated): gnomAD exomes below 0.00001; ExAC 0.00001.
gnomAD v4.1: 1 of 1,614,020 alleles (0.000062%); highest among the groups gnomAD compares: Non-Finnish European, 0.000085%; no homozygotes.

Submission:

Labcorp Genetics (formerly Invitae), Labcorp
Classification: Uncertain significance. Last evaluated: 2020-08-25. Review status: criteria provided, single submitter. Criteria: Invitae Variant Classification Sherloc (09022015). Collection method: clinical testing. Allele origin: germline.
Comment: This variant has not been reported in the literature in individuals with VCAN-related conditions. In summary, the available evidence is currently insufficient to determine the role of this variant in disease. Therefore, it has been classified as a Variant of Uncertain Significance. Algorithms developed to predict the effect of missense changes on protein structure and function output the following: SIFT: "Tolerated"; PolyPhen-2: "Benign"; Align-GVGD: "Class C0". The lysine amino acid residue is found in multiple mammalian species, suggesting that this missense change does not adversely affect protein function. These predictions have not been confirmed by published functional studies and their clinical significance is uncertain. This variant is present in population databases (rs759774221, ExAC 0.002%). This sequence change replaces asparagine with lysine at codon 2302 of the VCAN protein (p.Asn2302Lys). The asparagine residue is weakly conserved and there is a moderate physicochemical difference between asparagine and lysine.